The following continues an entry in ClinVar:

NM_001177316.2(SLC34A3):c.575C>T (p.Ser192Leu)

Gene: SLC34A3. ClinVar aggregate classification (germline): Pathogenic/Likely pathogenic. Pathogenic (12); Likely pathogenic (4).

Submissions 9 to 19 of 19:

Women's Health and Genetics/Laboratory Corporation of America, LabCorp
Classification: Pathogenic for Hereditary Hypophosphatemic Rickets With Hypercalciuria. Last evaluated: 2025-03-18. Review status: criteria provided, single submitter. Criteria: LabCorp Variant Classification Summary - May 2015. Collection method: clinical testing. Allele origin: germline.
Comment: Variant summary: SLC34A3 c.575C>T (p.Ser192Leu) results in a non-conservative amino acid change in the encoded protein sequence. Three of five in-silico tools predict a benign effect of the variant on protein function. The variant allele was found at a frequency of 0.00044 in 183402 control chromosomes. This frequency is not significantly higher than estimated for a pathogenic variant in SLC34A3 causing Hereditary Hypophosphatemic Rickets With Hypercalciuria (0.00044 vs 0.0018), allowing no conclusion about variant significance. c.575C>T has been reported in the literature in individuals affected with Hereditary Hypophosphatemic Rickets With Hypercalciuria (example:Brazier_2023, Schonauer_2019). These data indicate that the variant is likely to be associated with disease. At least one publication reports experimental evidence that the variant reduced phosphate uptake (Brazier_2023). The following publications have been ascertained in the context of this evaluation (PMID: 30798342, 36596813). ClinVar contains an entry for this variant (Variation ID: 198610). Based on the evidence outlined above, the variant was classified as pathogenic.

Cambridge Genomics Laboratory, East Genomic Laboratory Hub, NHS Genomic Medicine Service
Classification: Likely pathogenic for Hypophosphataemia or rickets. Last evaluated: 2024-11-28. Review status: criteria provided, single submitter. Criteria: ACGS Best Practice Guidelines for Variant Classification in Rare Disease 2020. Collection method: clinical testing. Allele origin: germline. Affected: yes.
Comment: PS3_Supporting,PM2_Supporting,PM3_Strong,PP1_Moderate

Blueprint Genetics
Classification: Pathogenic for SLC34A3-related disorders. Last evaluated: 2024-10-08. Review status: criteria provided, single submitter. Criteria: ACMG Guidelines, 2015. Collection method: clinical testing. Allele origin: germline. Affected: yes. Observed: 5 variant alleles.

Revvity Omics, Revvity
Classification: Pathogenic for Autosomal recessive hypophosphatemic bone disease. Last evaluated: 2022-09-01. Review status: criteria provided, single submitter. Criteria: ACMG Guidelines, 2015. Collection method: clinical testing. Allele origin: germline.

MGZ Medical Genetics Center
Classification: Likely pathogenic for Autosomal recessive hypophosphatemic bone disease. Last evaluated: 2022-05-24. Review status: criteria provided, single submitter. Criteria: ACMG Guidelines, 2015. Collection method: clinical testing. Allele origin: germline. Affected: yes. Observed: 1 variant allele.
Comment: ACMG criteria applied: PS3, PM3, PM2_SUP, PP1

Division Of Personalized Genomic Medicine, Columbia University Irving Medical Center
Classification: Pathogenic for Autosomal recessive hypophosphatemic bone disease. Last evaluated: 2020-11-05. Review status: criteria provided, single submitter. Criteria: ACMG Guidelines, 2015. Collection method: clinical testing. Allele origin: germline. Inheritance: Autosomal recessive inheritance. Affected: yes. Observed: 1 homozygote.
Comment: The c.575C>T variant in the SLC34A3 gene is a homozygous missense variant, which results in the substitution of the a serine residue at the 192 position to leucine (p.Ser192Leu). This variant localizes to coding exon 7 of the SLC34A3 gene (13 exons total; NM_080877. In- silico analyses are inconsistent regarding predictions of the effect of this variant on protein structure and/or function (PROVEAN: neutral SIFT: damaging; PolyPhen-2: benign). This variant has been observed in the Genome Aggregation Database (gnomAD) at a low frequency (allele frequency = 0.0004615, no homozygotes), indicating it is not a common benign variant in the populations represented in this database. This variant has been reported to segregate with disease in multiple individuals with HHRH either in the homozygous state or with another SLC34A3 variant (PMIDs: 19820004, 18996815, 16358215, 16358214, 30798342). A different missense change at the same amino acid residue (S192W) has been described to be disease causing.

Institute of Human Genetics Munich, TUM University Hospital
Classification: Pathogenic for Autosomal recessive hypophosphatemic bone disease. Last evaluated: 2017-09-30. Review status: criteria provided, single submitter. Criteria: Classification criteria August 2017. Collection method: clinical testing. Allele origin: germline, maternal. Inheritance: Autosomal recessive inheritance. Affected: yes. Observed: 1 compound heterozygote, 1 homozygote.

Eurofins Ntd Llc (ga)
Classification: Pathogenic. Last evaluated: 2017-02-17. Review status: criteria provided, single submitter. Criteria: EGL Classification Definitions 2015. Collection method: clinical testing. Allele origin: germline. Observed: 2 variant alleles, 2 heterozygotes.

Gharavi Laboratory, Columbia University
Classification: Likely pathogenic. Last evaluated: 2018-09-16. Review status: no assertion criteria provided. Criteria: ACMG Guidelines, 2015. Collection method: research. Allele origin: germline. Affected: yes. Not counted in ClinVar's aggregate classification.

Genome Diagnostics Laboratory, University Medical Center Utrecht
Classification: Pathogenic. Review status: no assertion criteria provided. Collection method: clinical testing. Allele origin: germline. Affected: yes. Study: VKGL Data-share Consensus. Not counted in ClinVar's aggregate classification.

Joint Genome Diagnostic Labs from Nijmegen and Maastricht, Radboudumc and MUMC+
Classification: Likely pathogenic. Review status: no assertion criteria provided. Collection method: clinical testing. Allele origin: germline. Affected: yes. Study: VKGL Data-share Consensus. Not counted in ClinVar's aggregate classification.

Literature cited by the submitters: PubMed 19820004 (cited by 4 submitters); PubMed 18996815 (cited by 4 submitters); PubMed 16358215 (cited by 4 submitters); PubMed 16358214 (cited by 3 submitters); PubMed 30798342 (cited by 4 submitters); PubMed 40794449 (cited by Rare Kidney Stone Consortium and the Mayo Clinic Hyperoxaluria Center, Mayo Clinic); PubMed 36596813 (cited by Variantyx, Inc. and Women's Health and Genetics/Laboratory Corporation of America, LabCorp); PubMed 30586318 (cited by Variantyx, Inc.); PubMed 24700880 (cited by Variantyx, Inc.); PubMed 34666334 (cited by Variantyx, Inc.).